The following is an entry in ClinVar:

ClinVar aggregate classification (germline): Uncertain significance (1 of 4 stars; one submission).

Allele frequency attached by ClinVar (database versions not stated): ExAC 0.00001; gnomAD exomes 0.00001.
gnomAD v4.1: 14 of 1,612,898 alleles (0.00087%); highest among the groups gnomAD compares: Non-Finnish European, 0.0012%; no homozygotes.

Submission:

Labcorp Genetics (formerly Invitae), Labcorp
Classification: Uncertain significance. Last evaluated: 2022-06-15. Review status: criteria provided, single submitter. Criteria: Invitae Variant Classification Sherloc (09022015). Collection method: clinical testing. Allele origin: germline.
Comment: In summary, the available evidence is currently insufficient to determine the role of this variant in disease. Therefore, it has been classified as a Variant of Uncertain Significance. Algorithms developed to predict the effect of missense changes on protein structure and function are either unavailable or do not agree on the potential impact of this missense change (SIFT: "Deleterious"; PolyPhen-2: "Benign"; Align-GVGD: "Class C0"). This variant has not been reported in the literature in individuals affected with SIX6-related conditions. This variant is present in population databases (rs759745079, gnomAD 0.002%). This sequence change replaces valine, which is neutral and non-polar, with phenylalanine, which is neutral and non-polar, at codon 218 of the SIX6 protein (p.Val218Phe).

NM_007374.3(SIX6):c.652G>T (p.Val218Phe)

Genes: C14orf39 (chromosome 14 open reading frame 39; minus strand), SIX6 (SIX homeobox 6; plus strand). Cytogenetic location: 14q23.1.
Variant type: single nucleotide variant.
Coding change: c.652G>T on transcript NM_007374.3 (MANE Select); coding-DNA position 652, G replaced by T.
Protein change: p.Val218Phe; replaces valine 218 with phenylalanine.
Molecular consequence: missense variant.
Genome position (GRCh38, 1-based): chr14:60,511,163, G>T. VCF-style: chr14-60511163-G-T. GRCh37 (hg19) VCF-style: chr14-60977881-G-T.
Other names: short protein forms V218F.
Identifiers: ClinVar variation 1915101 (VCV001915101.5), dbSNP rs759745079, ClinGen allele CA7212657.
Genomic context (GRCh38, chr14:60,511,163, plus strand): 5'-TCACAGGGTTCCGGGCGGGCACTACGGGCGGAGGGCGACGGCACGCCAGAGGTGCTGGGC[G>T]TCGCCACCAGCCCGGCCGCCAGTCTATCCAGCAAGGCGGCCACTTCAGCCATCTCCATCA-3'
Protein context (NP_031400.2, residues 208-228): EGDGTPEVLG[Val218Phe]ATSPAASLSS